The following is an entry in ClinVar:

NM_002025.4(AFF2):c.1942C>T (p.Pro648Ser)

Gene: AFF2 (ALF transcription elongation factor 2; plus strand). Cytogenetic location: Xq28.
Variant type: single nucleotide variant.
Coding change: c.1942C>T on transcript NM_002025.4 (MANE Select); coding-DNA position 1942, C replaced by T.
Protein change: p.Pro648Ser; replaces proline 648 with serine.
Molecular consequence: missense variant.
Genome position (GRCh38, 1-based): chrX:148,955,987, C>T. VCF-style: chrX-148955987-C-T. GRCh37 (hg19) VCF-style: chrX-148037517-C-T.
Other names: c.1843C>T, p.Pro615Ser (NM_001169122.2); c.1912C>T, p.Pro638Ser (NM_001169123.2); c.1837C>T, p.Pro613Ser (NM_001169124.2); c.1825C>T, p.Pro609Ser (NM_001169125.2); c.865C>T, p.Pro289Ser (NM_001170628.1); short protein forms P289S, P609S, P613S, P615S, P638S, P648S.
Identifiers: ClinVar variation 3372540 (VCV003372540.2).

ClinVar aggregate classification (germline): Uncertain significance (1 of 4 stars; one submission).

gnomAD v4.1: 1 of 1,209,113 alleles (0.000083%); highest among the groups gnomAD compares: African/African-American, 0.0018%; no homozygotes.

Submission:

GeneDx
Classification: Uncertain significance. Last evaluated: 2025-08-21. Review status: criteria provided, single submitter. Criteria: GeneDx Variant Classification Process June 2021. Collection method: clinical testing. Allele origin: germline. Affected: yes.
Comment: Not observed at significant frequency in large population cohorts (gnomAD); In silico analysis supports that this missense variant has a deleterious effect on protein structure/function; Has not been previously published as pathogenic or benign to our knowledge